The following is an entry in ClinVar:

ClinVar aggregate classification (germline): Uncertain significance (1 of 4 stars; one submission).

Conditions:
Epileptic encephalopathy. Identifiers: MedGen C0543888, HP:0200134.

Submission:

Labcorp Genetics (formerly Invitae), Labcorp
Classification: Uncertain significance for Epileptic encephalopathy. Last evaluated: 2024-02-24. Review status: criteria provided, single submitter. Criteria: Invitae Variant Classification Sherloc (09022015). Collection method: clinical testing. Allele origin: germline.
Comment: This sequence change replaces valine, which is neutral and non-polar, with methionine, which is neutral and non-polar, at codon 2110 of the FASN protein (p.Val2110Met). This variant is not present in population databases (gnomAD no frequency). This variant has not been reported in the literature in individuals affected with FASN-related conditions. ClinVar contains an entry for this variant (Variation ID: 1433737). An algorithm developed to predict the effect of missense changes on protein structure and function (PolyPhen-2) suggests that this variant is likely to be disruptive. In summary, the available evidence is currently insufficient to determine the role of this variant in disease. Therefore, it has been classified as a Variant of Uncertain Significance.

NM_004104.5(FASN):c.6328G>A (p.Val2110Met)

Gene: FASN (fatty acid synthase; minus strand). Cytogenetic location: 17q25.3.
Variant type: single nucleotide variant.
Coding change: c.6328G>A on transcript NM_004104.5 (MANE Select); coding-DNA position 6328, G replaced by A.
Protein change: p.Val2110Met; replaces valine 2110 with methionine.
Molecular consequence: missense variant.
Genome position (GRCh38, 1-based): chr17:82,081,679, C>T on the plus strand (G>A on the coding strand, the complement: FASN is on the minus strand). VCF-style: chr17-82081679-C-T. GRCh37 (hg19) VCF-style: chr17-80039555-C-T.
Other names: short protein forms V2110M.
Identifiers: ClinVar variation 1433737 (VCV001433737.6), dbSNP rs2144781820, ClinGen allele CA401600832.
Genomic context (GRCh38, chr17:82,081,679, plus strand): 5'-CCTCCACCAGGTCCCGCTGGCTGTCCCTGTCCCTATAGGCCGCAGCCTTCTCAGCCAGCA[C>T]AAAGCTGCTCAGGACCATGTGGGGCTGGTTCAGGAAGAGGTCCAGCACCTCCAGGCAGGA-3'
Protein context (NP_004095.4, residues 2100-2120): NQPHMVLSSF[Val2110Met]LAEKAAAYRD